The following is an entry in ClinVar:

NM_000057.4(BLM):c.2988T>C (p.His996=)

Gene: BLM (BLM RecQ like helicase; plus strand). Cytogenetic location: 15q26.1.
Variant type: single nucleotide variant.
Coding change: c.2988T>C on transcript NM_000057.4 (MANE Select); coding-DNA position 2988, T replaced by C.
Protein change: p.His996=; no amino-acid change (histidine 996 retained).
Molecular consequence: synonymous variant.
Genome position (GRCh38, 1-based): chr15:90,790,813, T>C. VCF-style: chr15-90790813-T-C. GRCh37 (hg19) VCF-style: chr15-91334043-T-C.
Other names: c.2988T>C, p.His996= (NM_001287246.2, NM_001287247.2); c.1863T>C, p.His621= (NM_001287248.2).
Identifiers: ClinVar variation 4085768 (VCV004085768.9).

ClinVar aggregate classification (germline): Likely benign. Review status: criteria provided, multiple submitters, no conflicts (2 of 4 stars). 3 submissions from 3 submitters: Likely benign (3). Last evaluated 2025-12-19.

Conditions:
Bloom syndrome (BLM). Also called: Bloom-Torre-Machacek syndrome. Identifiers: Orphanet 125, MedGen C0005859, MONDO:0008876, OMIM 210900.
Hereditary cancer-predisposing syndrome. Also called: Hereditary Cancer Syndrome; Neoplastic Syndromes, Hereditary; Tumor predisposition; Hereditary neoplastic syndrome. Identifiers: Orphanet 140162, MedGen C0027672, MeSH D009386, MONDO:0015356.

Submissions (3):

Ambry Genetics
Classification: Likely benign for Hereditary cancer-predisposing syndrome. Last evaluated: 2025-12-19. Review status: criteria provided, single submitter. Criteria: Ambry Variant Classification Scheme 2023. Collection method: clinical testing. Allele origin: germline.

Labcorp Genetics (formerly Invitae), Labcorp
Classification: Likely benign for Bloom syndrome. Last evaluated: 2025-10-23. Review status: criteria provided, single submitter. Criteria: Invitae Variant Classification Sherloc (09022015). Collection method: clinical testing. Allele origin: germline.

CeGaT Center for Human Genetics Tuebingen
Classification: Likely benign. Last evaluated: 2025-08-01. Review status: criteria provided, single submitter. Criteria: CeGaT Center For Human Genetics Tuebingen Variant Classification Criteria Version 2. Collection method: clinical testing. Allele origin: germline. Affected: yes. Observed: 1 variant allele.
Comment: BLM: PM2:Supporting, BP4, BP7